The following is an entry in ClinVar:

NM_000057.4(BLM):c.3589A>T (p.Ser1197Cys)

Gene: BLM (BLM RecQ like helicase; plus strand). Cytogenetic location: 15q26.1.
Variant type: single nucleotide variant.
Coding change: c.3589A>T on transcript NM_000057.4 (MANE Select); coding-DNA position 3589, A replaced by T.
Protein change: p.Ser1197Cys; replaces serine 1197 with cysteine.
Molecular consequence: missense variant. On other transcripts: intron variant (1).
Genome position (GRCh38, 1-based): chr15:90,804,197, A>T. VCF-style: chr15-90804197-A-T. GRCh37 (hg19) VCF-style: chr15-91347427-A-T.
Other names: c.3589A>T, p.Ser1197Cys (NM_001287246.2); c.2464A>T, p.Ser822Cys (NM_001287248.2); c.3359-4940A>T (NM_001287247.2); c.3589A>T (NM_000057.2); short protein forms S1197C, S822C.
Identifiers: ClinVar variation 837388 (VCV000837388.15), dbSNP rs1596268133, ClinGen allele CA393847946.

ClinVar aggregate classification (germline): Uncertain significance. Review status: criteria provided, multiple submitters, no conflicts (2 of 4 stars). 3 submissions from 3 submitters: Uncertain significance (2). 1 of the submissions does not count toward it. Last evaluated 2024-09-01.

Conditions:
Bloom syndrome (BLM). Also called: Bloom-Torre-Machacek syndrome. Identifiers: Orphanet 125, MedGen C0005859, MONDO:0008876, OMIM 210900.
Hereditary cancer-predisposing syndrome. Also called: Neoplastic Syndromes, Hereditary; Tumor predisposition; Hereditary neoplastic syndrome; Hereditary Cancer Syndrome. Identifiers: Orphanet 140162, MedGen C0027672, MeSH D009386, MONDO:0015356.

Submissions (3):

Ambry Genetics
Classification: Uncertain significance for Hereditary cancer-predisposing syndrome. Last evaluated: 2024-09-01. Review status: criteria provided, single submitter. Criteria: Ambry Variant Classification Scheme 2023. Collection method: clinical testing. Allele origin: germline.
Comment: The p.S1197C variant (also known as c.3589A>T), located in coding exon 18 of the BLM gene, results from an A to T substitution at nucleotide position 3589. The serine at codon 1197 is replaced by cysteine, an amino acid with dissimilar properties. This amino acid position is conserved. In addition, this alteration is predicted to be tolerated by in silico analysis. Based on the available evidence, the clinical significance of this variant remains unclear.

Labcorp Genetics (formerly Invitae), Labcorp
Classification: Uncertain significance for Bloom syndrome. Last evaluated: 2019-12-27. Review status: criteria provided, single submitter. Criteria: Invitae Variant Classification Sherloc (09022015). Collection method: clinical testing. Allele origin: germline.
Comment: In summary, the available evidence is currently insufficient to determine the role of this variant in disease. Therefore, it has been classified as a Variant of Uncertain Significance. Algorithms developed to predict the effect of missense changes on protein structure and function are either unavailable or do not agree on the potential impact of this missense change (SIFT: "Deleterious"; PolyPhen-2: "Benign"; Align-GVGD: "Class C0"). This variant has not been reported in the literature in individuals with BLM-related conditions. This variant is not present in population databases (ExAC no frequency). This sequence change replaces serine with cysteine at codon 1197 of the BLM protein (p.Ser1197Cys). The serine residue is moderately conserved and there is a moderate physicochemical difference between serine and cysteine.

Natera, Inc.
Classification: Uncertain significance for Bloom syndrome. Last evaluated: 2018-11-19. Review status: no assertion criteria provided. Collection method: clinical testing. Allele origin: germline. Not counted in ClinVar's aggregate classification.